The following is an entry in ClinVar:

ClinVar aggregate classification (germline): Likely benign. Review status: criteria provided, multiple submitters, no conflicts (2 of 4 stars). 3 submissions from 3 submitters: Likely benign (3). Last evaluated 2024-11-21.

Allele frequency attached by ClinVar (database versions not stated): 1000 Genomes Project 30x 0.00016; 1000 Genomes Project 0.00020; ESP Exome Variant Server 0.00038; gnomAD exomes 0.00041 and 0.00048; gnomAD 0.00044 and 0.00046; ExAC 0.00047; TOPMed 0.00066.
gnomAD v4.1: 763 of 1,613,530 alleles (0.047%); highest among the groups gnomAD compares: Admixed American, 0.07%; no homozygotes.

Submissions (3):

Blueprint Genetics
Classification: Likely benign. Last evaluated: 2024-11-21. Review status: criteria provided, single submitter. Criteria: ACMG Guidelines, 2015. Collection method: clinical testing. Allele origin: germline.

GeneDx
Classification: Likely benign. Last evaluated: 2018-03-14. Review status: criteria provided, single submitter. Criteria: GeneDx Variant Classification (06012015). Collection method: clinical testing. Allele origin: germline. Affected: yes.
Comment: This variant is considered likely benign or benign based on one or more of the following criteria: it is a conservative change, it occurs at a poorly conserved position in the protein, it is predicted to be benign by multiple in silico algorithms, and/or has population frequency not consistent with disease.

Laboratory for Molecular Medicine, Mass General Brigham Personalized Medicine
Classification: Likely benign. Last evaluated: 2015-02-12. Review status: criteria provided, single submitter. Criteria: LMM Criteria. Collection method: clinical testing. Allele origin: germline. Observed: 1 variant allele.
Comment: p.Arg447Gln in exon 16 of MYO1A: This variant is not expected to have clinical s ignificance because it has been identified in 43/60388 European chromosomes by t he Exome Aggregation Consortium (ExAC; dbSNP rs1 38679694). In addition, this variant is not highly conserved across species, inc luding mammals and computational analyses (PolyPhen2, SIFT, AlignGVGD) do not su ggest a high likelihood of impact to the protein.

NM_005379.4(MYO1A):c.1340G>A (p.Arg447Gln)

Gene: MYO1A (myosin IA; minus strand). Cytogenetic location: 12q13.3.
Variant type: single nucleotide variant.
Coding change: c.1340G>A on transcript NM_005379.4 (MANE Select); coding-DNA position 1340, G replaced by A.
Protein change: p.Arg447Gln; replaces arginine 447 with glutamine.
Molecular consequence: missense variant.
Genome position (GRCh38, 1-based): chr12:57,039,002, C>T on the plus strand (G>A on the coding strand, the complement: MYO1A is on the minus strand). VCF-style: chr12-57039002-C-T. GRCh37 (hg19) VCF-style: chr12-57432786-C-T.
Other names: c.1340G>A, p.Arg447Gln (NM_001256041.2); short protein forms R447Q.
Identifiers: ClinVar variation 227655 (VCV000227655.6), dbSNP rs138679694, ClinGen allele CA6640101.